The following is an entry in ClinVar:

NM_003107.3(SOX4):c.776del (p.Leu259fs)

Gene: SOX4 (SRY-box transcription factor 4; plus strand). Cytogenetic location: 6p22.3.
Variant type: Deletion.
Coding change: c.776del on transcript NM_003107.3 (MANE Select); coding-DNA position 776, one base deleted (T; older notation c.776delT).
Protein change: p.Leu259fs; shifts the reading frame from leucine 259.
Molecular consequence: frameshift variant.
Genome position (GRCh38, 1-based): chr6:21,595,310, T deleted. VCF-style (leftmost placement, unchanged base first): chr6-21595309-CT-C. GRCh37 (hg19) VCF-style: chr6-21595540-CT-C.
Other names: short protein forms L259fs.
Identifiers: ClinVar variation 2446081 (VCV002446081.2), dbSNP rs2532640574, ClinGen allele CA2580074234.

ClinVar aggregate classification (germline): Uncertain significance (1 of 4 stars; one submission).

Submission:

GeneDx
Classification: Uncertain significance. Last evaluated: 2026-07-01. Review status: criteria provided, single submitter. Criteria: GeneDx Variant Classification Process June 2021. Collection method: clinical testing. Allele origin: germline.
Comment: Not observed at significant frequency in large population cohorts (gnomAD); Frameshift variant predicted to result in abnormal protein length as the last 216 amino acid(s) are replaced with 34 different amino acid(s); Has not been previously published as pathogenic or benign to our knowledge